The following is an entry in ClinVar:

NM_001267550.2(TTN):c.63096del (p.His21032fs)

Genes: TTN-AS1 (TTN antisense RNA 1; plus strand), TTN (titin; minus strand). Cytogenetic location: 2q31.2.
Variant type: Deletion.
Coding change: c.63096del on transcript NM_001267550.2 (MANE Select); coding-DNA position 63096, one base deleted (T; older notation c.63096delT).
Protein change: p.His21032fs; shifts the reading frame from histidine 21032.
Molecular consequence: frameshift variant.
Genome position (GRCh38, 1-based): chr2:178,588,629, A deleted on the plus strand (T on the coding strand, the reverse complement: TTN is on the minus strand). VCF-style (leftmost placement, unchanged base first): chr2-178588628-CA-C. GRCh37 (hg19) VCF-style: chr2-179453355-CA-C.
Other names: c.58173del, p.His19391fs (NM_001256850.1); c.35901del, p.His11967fs (NM_003319.4); c.55392del, p.His18464fs (NM_133378.4); c.36276del, p.His12092fs (NM_133432.3); c.36477del, p.His12159fs (NM_133437.4); short protein forms H11967fs, H18464fs, H21032fs, H19391fs, H12092fs, H12159fs.
Identifiers: ClinVar variation 2095759 (VCV002095759.4), dbSNP rs2469357563, ClinGen allele CA2580064812.

ClinVar aggregate classification (germline): Likely pathogenic (1 of 4 stars; one submission).

Conditions:
Autosomal recessive limb-girdle muscular dystrophy type 2J (LGMDR10). Also called: Limb-girdle muscular dystrophy, type 2J; MUSCULAR DYSTROPHY, LIMB-GIRDLE, AUTOSOMAL RECESSIVE 10. Identifiers: Orphanet 140922, MedGen C1837342, MONDO:0012127, OMIM 608807.
Dilated cardiomyopathy 1G (CMD1G). Identifiers: Orphanet 154, MedGen C1858763, MONDO:0011400, OMIM 604145.

Allele frequency attached by ClinVar (database versions not stated): gnomAD exomes below 0.00001.

Submission:

Labcorp Genetics (formerly Invitae), Labcorp
Classification: Likely pathogenic for Dilated cardiomyopathy 1G; Autosomal recessive limb-girdle muscular dystrophy type 2J. Last evaluated: 2022-02-09. Review status: criteria provided, single submitter. Criteria: Invitae Variant Classification Sherloc (09022015). Collection method: clinical testing. Allele origin: germline.
Comment: In summary, the currently available evidence indicates that the variant is pathogenic, but additional data are needed to prove that conclusively. Therefore, this variant has been classified as Likely Pathogenic. This variant is located in the A band of TTN (PMID: 25589632). Truncating variants in this region are significantly overrepresented in patients affected with dilated cardiomyopathy (PMID: 25589632). Truncating variants in this region have also been reported in individuals affected with autosomal recessive centronuclear myopathy (PMID: 23975875). This premature translational stop signal has been observed in individual(s) with dilated cardiomyopathy (Invitae). This variant is not present in population databases (gnomAD no frequency). This sequence change creates a premature translational stop signal (p.His21032Glnfs*31) in the TTN gene. While this is not anticipated to result in nonsense mediated decay, it is expected to create a truncated TTN protein.

Literature cited by the submitters: PubMed 25589632; PubMed 23975875.